The following is an entry in ClinVar:

NM_001206927.2(DNAH8):c.6131+1G>A

Gene: DNAH8 (dynein axonemal heavy chain 8; plus strand). Cytogenetic location: 6p21.2.
Variant type: single nucleotide variant.
Coding change: c.6131+1G>A on transcript NM_001206927.2 (MANE Select); the canonical splice donor site of the intron after coding-DNA position 6131, G replaced by A.
Molecular consequence: splice donor variant.
Genome position (GRCh38, 1-based): chr6:38,860,630, G>A. VCF-style: chr6-38860630-G-A. GRCh37 (hg19) VCF-style: chr6-38828406-G-A.
Other names: c.5480+1G>A (NM_001371.4).
Identifiers: ClinVar variation 581228 (VCV000581228.9), dbSNP rs145974361, ClinGen allele CA3789566.
Genomic context (GRCh38, chr6:38,860,630, plus strand): 5'-TTACCAAAATGAATTTCTGGGATGTACTGATCGTCTTGTTATCACTCCATTAACAGATAG[G>A]TAGGAAACCCAGTTTTCGTTTTTTATTTTGTAATTTTAAAATGTGCATAACATTATTTAT-3'

ClinVar aggregate classification (germline): Likely pathogenic (1 of 4 stars; one submission).

Conditions:
Primary ciliary dyskinesia. Also called: Ciliary dyskinesia. Identifiers: Orphanet 244, MedGen C0008780, MONDO:0016575, HP:0012265.

Allele frequency attached by ClinVar (database versions not stated): ExAC 0.00005; gnomAD exomes 0.00006 and 0.00013; gnomAD 0.00008; TOPMed 0.00008; ESP Exome Variant Server 0.00015.
gnomAD v4.1: 185 of 1,507,322 alleles (0.012%); highest among the groups gnomAD compares: Non-Finnish European, 0.016%; no homozygotes.

Submission:

Labcorp Genetics (formerly Invitae), Labcorp
Classification: Likely pathogenic for Primary ciliary dyskinesia. Last evaluated: 2026-01-21. Review status: criteria provided, single submitter. Criteria: Invitae Variant Classification Sherloc (09022015). Collection method: clinical testing. Allele origin: germline.
Comment: This sequence change affects a donor splice site in intron 43 of the DNAH8 gene. It is expected to disrupt RNA splicing. Variants that disrupt the donor or acceptor splice site typically lead to a loss of protein function (PMID: 16199547), and loss-of-function variants in DNAH8 are known to be pathogenic (PMID: 24307375, 32619401, 32681648). This variant is present in population databases (rs145974361, gnomAD 0.01%). This variant has not been reported in the literature in individuals affected with DNAH8-related conditions. ClinVar contains an entry for this variant (Variation ID: 581228). Algorithms developed to predict the effect of sequence changes on RNA splicing suggest that this variant may disrupt the consensus splice site. In summary, the currently available evidence indicates that the variant is pathogenic, but additional data are needed to prove that conclusively. Therefore, this variant has been classified as Likely Pathogenic.

Literature cited by the submitters: PubMed 16199547; PubMed 24307375; PubMed 32619401; PubMed 32681648.